The following is an entry in ClinVar:

ClinVar aggregate classification (germline): Pathogenic (1 of 4 stars; one submission).

Submission:

ISCA Site 6
Classification: Pathogenic. Last evaluated: 2011-08-12. Review status: criteria provided, single submitter. Criteria: Kaminsky et al. (Genet Med. 2011). Collection method: clinical testing. Allele origin: unknown. Affected: yes. Observed: 1 variant allele.
Comment: Copy number variation identified through the course of routine clinical cytogenomic testing in postnatal populations. Clinical assertions have been curated as described in Kaminsky et al. 2011.

GRCh38/hg38 15q11.2-13.1(chr15:25161216-28190742)x1

Genes: ATP10A (ATPase phospholipid transporting 10A (putative); minus strand), ATP10A-DT (ATP10A divergent transcript; plus strand), GABRA5 (gamma-aminobutyric acid type A receptor subunit alpha5; plus strand), GABRB3 (gamma-aminobutyric acid type A receptor subunit beta3; minus strand), GABRG3 (gamma-aminobutyric acid type A receptor subunit gamma3; plus strand) and 82 more. Cytogenetic location: 15q11.2-13.1.
Variant type: copy number loss.
Change: copy number 1 (one copy instead of two) of chr15:25,161,216-28,190,742 (3.03 Mb, GRCh38 coordinates, 1-based), cytogenetic band 15q11.2-13.1.
Identifiers: ClinVar variation 57843 (VCV000057843.2).